The following is an entry in ClinVar:

ClinVar aggregate classification (germline): Pathogenic (1 of 4 stars; one submission).

Allele frequency attached by ClinVar (database versions not stated): TOPMed below 0.00001.

Submission:

Labcorp Genetics (formerly Invitae), Labcorp
Classification: Pathogenic. Last evaluated: 2021-05-08. Review status: criteria provided, single submitter. Criteria: Invitae Variant Classification Sherloc (09022015). Collection method: clinical testing. Allele origin: germline.
Comment: This sequence change creates a premature translational stop signal (p.Gln276*) in the XPC gene. It is expected to result in an absent or disrupted protein product. Loss-of-function variants in XPC are known to be pathogenic (PMID: 23173980, 25256075). This variant is not present in population databases (ExAC no frequency). This variant has not been reported in the literature in individuals with XPC-related conditions. For these reasons, this variant has been classified as Pathogenic.

Literature cited by the submitters: PubMed 23173980; PubMed 25256075.

NM_004628.5(XPC):c.826C>T (p.Gln276Ter)

Gene: XPC (XPC complex subunit, DNA damage recognition and repair factor; minus strand). Cytogenetic location: 3p25.1.
Variant type: single nucleotide variant.
Coding change: c.826C>T on transcript NM_004628.5 (MANE Select); coding-DNA position 826, C replaced by T.
Protein change: p.Gln276Ter; replaces glutamine 276 with a stop codon.
Molecular consequence: nonsense. On other transcripts: non-coding transcript variant (2).
Genome position (GRCh38, 1-based): chr3:14,164,887, G>A on the plus strand (C>T on the coding strand, the complement: XPC is on the minus strand). VCF-style: chr3-14164887-G-A. GRCh37 (hg19) VCF-style: chr3-14206387-G-A.
Other names: c.247C>T, p.Gln83Ter (NM_001354726.2); c.826C>T, p.Gln276Ter (NM_001354727.2, NM_001354730.2); c.808C>T, p.Gln270Ter (NM_001354729.2); short protein forms Q270*, Q276*, Q83*.
Identifiers: ClinVar variation 1453010 (VCV001453010.6), dbSNP rs1696312057, ClinGen allele CA351541780.